The following is an entry in ClinVar:

ClinVar aggregate classification (germline): Uncertain significance (1 of 4 stars; one submission).

Submission:

Labcorp Genetics (formerly Invitae), Labcorp
Classification: Uncertain significance. Last evaluated: 2023-12-11. Review status: criteria provided, single submitter. Criteria: Invitae Variant Classification Sherloc (09022015). Collection method: clinical testing. Allele origin: germline.
Comment: This sequence change replaces leucine, which is neutral and non-polar, with isoleucine, which is neutral and non-polar, at codon 301 of the KCNC3 protein (p.Leu301Ile). This variant is not present in population databases (gnomAD no frequency). This variant has not been reported in the literature in individuals affected with KCNC3-related conditions. ClinVar contains an entry for this variant (Variation ID: 1389699). Advanced modeling of protein sequence and biophysical properties (such as structural, functional, and spatial information, amino acid conservation, physicochemical variation, residue mobility, and thermodynamic stability) performed at Invitae indicates that this missense variant is expected to disrupt KCNC3 protein function with a positive predictive value of 95%. In summary, the available evidence is currently insufficient to determine the role of this variant in disease. Therefore, it has been classified as a Variant of Uncertain Significance.

NM_004977.3(KCNC3):c.901C>A (p.Leu301Ile)

Gene: KCNC3 (potassium voltage-gated channel subfamily C member 3; minus strand). Cytogenetic location: 19q13.33.
Variant type: single nucleotide variant.
Coding change: c.901C>A on transcript NM_004977.3 (MANE Select); coding-DNA position 901, C replaced by A.
Protein change: p.Leu301Ile; replaces leucine 301 with isoleucine.
Molecular consequence: missense variant.
Genome position (GRCh38, 1-based): chr19:50,324,052, G>T on the plus strand (C>A on the coding strand, the complement: KCNC3 is on the minus strand). VCF-style: chr19-50324052-G-T. GRCh37 (hg19) VCF-style: chr19-50827309-G-T.
Other names: c.673C>A, p.Leu225Ile (NM_001372305.1); short protein forms L225I, L301I.
Identifiers: ClinVar variation 1389699 (VCV001389699.6), dbSNP rs750613230, ClinGen allele CA406953368.